The following is an entry in ClinVar:

NM_000257.4(MYH7):c.3470C>A (p.Thr1157Lys)

Gene: MYH7 (myosin heavy chain 7; minus strand). Cytogenetic location: 14q11.2.
Variant type: single nucleotide variant.
Coding change: c.3470C>A on transcript NM_000257.4 (MANE Select); coding-DNA position 3470, C replaced by A.
Protein change: p.Thr1157Lys; replaces threonine 1157 with lysine.
Molecular consequence: missense variant.
Genome position (GRCh38, 1-based): chr14:23,420,101, G>T on the plus strand (C>A on the coding strand, the complement: MYH7 is on the minus strand). VCF-style: chr14-23420101-G-T. GRCh37 (hg19) VCF-style: chr14-23889310-G-T.
Other names: short protein forms T1157K.
Identifiers: ClinVar variation 1018305 (VCV001018305.6), dbSNP rs1892412993, ClinGen allele CA389043782.
Genomic context (GRCh38, chr14:23,420,101, plus strand): 5'-TCCCGCCGCATCTTCTGGAACTCGGCCTCGCGCTTCTTGTTCATCTCGATCTGCACGGAC[G>T]TGGCCCCGCCGGCCTCTTCCAGCCGCTCGCTGATCTCCTCCAGCTCCCGAGACAGGTCTG-3'
Protein context (NP_000248.2, residues 1147-1167): SERLEEAGGA[Thr1157Lys]SVQIEMNKKR

ClinVar aggregate classification (germline): Uncertain significance (1 of 4 stars; one submission).

Conditions:
Hypertrophic cardiomyopathy. Also called: HYPERTROPHIC MYOCARDIOPATHY. Identifiers: Orphanet 217569, MedGen C0007194, MeSH D002312, MONDO:0005045, HP:0001639.

Allele frequency attached by ClinVar (database versions not stated): TOPMed below 0.00001.

Submission:

Labcorp Genetics (formerly Invitae), Labcorp
Classification: Uncertain significance for Hypertrophic cardiomyopathy. Last evaluated: 2021-08-27. Review status: criteria provided, single submitter. Criteria: Invitae Variant Classification Sherloc (09022015). Collection method: clinical testing. Allele origin: germline.
Comment: This sequence change replaces threonine with lysine at codon 1157 of the MYH7 protein (p.Thr1157Lys). The threonine residue is highly conserved and there is a moderate physicochemical difference between threonine and lysine. This variant is not present in population databases (ExAC no frequency). This variant has not been reported in the literature in individuals affected with MYH7-related conditions. Algorithms developed to predict the effect of missense changes on protein structure and function are either unavailable or do not agree on the potential impact of this missense change (SIFT: "Deleterious"; PolyPhen-2: "Probably Damaging"; Align-GVGD: "Class C0"). In summary, the available evidence is currently insufficient to determine the role of this variant in disease. Therefore, it has been classified as a Variant of Uncertain Significance.